The following is an entry in ClinVar:

NM_001256317.3(TMPRSS3):c.857T>G (p.Leu286Trp)

Gene: TMPRSS3 (transmembrane serine protease 3; minus strand). Cytogenetic location: 21q22.3.
Variant type: single nucleotide variant.
Coding change: c.857T>G on transcript NM_001256317.3 (MANE Select); coding-DNA position 857, T replaced by G.
Protein change: p.Leu286Trp; replaces leucine 286 with tryptophan.
Molecular consequence: missense variant.
Genome position (GRCh38, 1-based): chr21:42,382,160, A>C on the plus strand (T>G on the coding strand, the complement: TMPRSS3 is on the minus strand). VCF-style: chr21-42382160-A-C. GRCh37 (hg19) VCF-style: chr21-43802269-A-C.
Other names: c.857T>G, p.Leu286Trp (NM_024022.4, NM_032405.2); c.476T>G, p.Leu159Trp (NM_032404.3); short protein forms L159W, L286W.
Identifiers: ClinVar variation 3776395 (VCV003776395.1).

ClinVar aggregate classification (germline): Uncertain significance (1 of 4 stars; one submission).

Submission:

GeneDx
Classification: Uncertain significance. Last evaluated: 2024-10-04. Review status: criteria provided, single submitter. Criteria: GeneDx Variant Classification Process June 2021. Collection method: clinical testing. Allele origin: germline. Affected: yes.
Comment: Not observed at significant frequency in large population cohorts (gnomAD); In silico analysis indicates that this missense variant does not alter protein structure/function; Has not been previously published as pathogenic or benign to our knowledge